The following is an entry in ClinVar:

NM_000238.4(KCNH2):c.1467C>A (p.Ile489=)

Gene: KCNH2 (potassium voltage-gated channel subfamily H member 2; minus strand). Cytogenetic location: 7q36.1.
Variant type: single nucleotide variant.
Coding change: c.1467C>A on transcript NM_000238.4 (MANE Select); coding-DNA position 1467, C replaced by A.
Protein change: p.Ile489=; no amino-acid change (isoleucine 489 retained).
Molecular consequence: synonymous variant. On other transcripts: non-coding transcript variant (2).
Genome position (GRCh38, 1-based): chr7:150,952,515, G>T on the plus strand (C>A on the coding strand, the complement: KCNH2 is on the minus strand). VCF-style: chr7-150952515-G-T. GRCh37 (hg19) VCF-style: chr7-150649603-G-T.
Other names: c.447C>A, p.Ile149= (NM_001204798.2, NM_172057.3); c.1179C>A, p.Ile393= (NM_001406753.1, NM_001406756.1); c.1290C>A, p.Ile430= (NM_001406755.1); c.1167C>A, p.Ile389= (NM_001406757.1); c.1467C>A, p.Ile489= (NM_172056.3).
Identifiers: ClinVar variation 237290 (VCV000237290.21), dbSNP rs740952, ClinGen allele CA028113.

ClinVar aggregate classification (germline): Likely benign. Review status: criteria provided, multiple submitters, no conflicts (2 of 4 stars). 6 submissions from 6 submitters: Likely benign (5). 1 of the submissions does not count toward it. Last evaluated 2026-02-01.

Conditions:
Cardiac arrhythmia. Also called: Arrhythmia; Cardiac rhythm disease. Identifiers: MedGen C0003811, MONDO:0007263, HP:0011675.
Long QT syndrome (LQTS). Identifiers: MedGen C0023976, MeSH D008133, MONDO:0002442. Disease mechanism: loss of function. Inheritance: Various modes of inheritance.
KCNH2-related disorder. Also called: KCNH2-related condition; KCNH2-related disorders.

Allele frequency attached by ClinVar (database versions not stated): 1000 Genomes Project 30x 0.00047; 1000 Genomes Project 0.00060.
gnomAD v4.1: 142 of 1,613,970 alleles (0.0088%); highest among the groups gnomAD compares: African/African-American, 0.12%; no homozygotes.

Submissions (6):

Labcorp Genetics (formerly Invitae), Labcorp
Classification: Likely benign for Long QT syndrome. Last evaluated: 2026-02-01. Review status: criteria provided, single submitter. Criteria: Invitae Variant Classification Sherloc (09022015). Collection method: clinical testing. Allele origin: germline.

Blueprint Genetics
Classification: Likely benign. Last evaluated: 2024-07-15. Review status: criteria provided, single submitter. Criteria: ACMG Guidelines, 2015. Collection method: clinical testing. Allele origin: germline.

All of Us Research Program, National Institutes of Health
Classification: Likely benign for Long QT syndrome. Last evaluated: 2023-12-13. Review status: criteria provided, single submitter. Criteria: ACMG Guidelines, 2015. Collection method: clinical testing. Allele origin: germline. Inheritance: Autosomal dominant inheritance. Observed: 27 variant alleles, 26 heterozygotes, 1 homozygote.
Comment: This study involves interpretation of variants in research participants for the purpose of population health screening. Participant phenotype was not available at the time of variant classification. Additional details can be found in publication PMID: 35346344, PMCID: PMC8962531

Color Diagnostics, LLC DBA Color Health
Classification: Likely benign for Arrhythmia. Last evaluated: 2018-12-10. Review status: criteria provided, single submitter. Criteria: ACMG Guidelines, 2015. Collection method: clinical testing. Allele origin: germline.

GeneDx
Classification: Likely benign. Last evaluated: 2018-06-15. Review status: criteria provided, single submitter. Criteria: GeneDx Variant Classification (06012015). Collection method: clinical testing. Allele origin: germline. Affected: yes.
Comment: This variant is considered likely benign or benign based on one or more of the following criteria: it is a conservative change, it occurs at a poorly conserved position in the protein, it is predicted to be benign by multiple in silico algorithms, and/or has population frequency not consistent with disease.

PreventionGenetics, part of Exact Sciences
Classification: Likely benign for KCNH2-related condition. Last evaluated: 2020-10-14. Review status: no assertion criteria provided. Collection method: clinical testing. Allele origin: germline. Not counted in ClinVar's aggregate classification.
Comment: This variant is classified as likely benign based on ACMG/AMP sequence variant interpretation guidelines (Richards et al. 2015 PMID: 25741868, with internal and published modifications).